The following is an entry in ClinVar:

ClinVar aggregate classification (germline): Likely benign. Review status: criteria provided, multiple submitters, no conflicts (2 of 4 stars). 5 submissions from 5 submitters: Likely benign (5). Last evaluated 2025-10-02.

Conditions:
Inborn genetic diseases. Identifiers: MedGen C0950123, MeSH D030342.

Allele frequency attached by ClinVar (database versions not stated): ExAC 0.00016; gnomAD 0.00006; TOPMed 0.00006; gnomAD exomes 0.00009.
gnomAD v4.1: 141 of 1,613,944 alleles (0.0087%); highest among the groups gnomAD compares: Non-Finnish European, 0.012%; no homozygotes.

Submissions (5):

Labcorp Genetics (formerly Invitae), Labcorp
Classification: Likely benign. Last evaluated: 2025-10-02. Review status: criteria provided, single submitter. Criteria: Invitae Variant Classification Sherloc (09022015). Collection method: clinical testing. Allele origin: germline.

Ambry Genetics
Classification: Likely benign for Inborn genetic diseases. Last evaluated: 2024-11-21. Review status: criteria provided, single submitter. Criteria: Ambry Variant Classification Scheme 2023. Collection method: clinical testing. Allele origin: germline.

CeGaT Center for Human Genetics Tuebingen
Classification: Likely benign. Last evaluated: 2024-07-01. Review status: criteria provided, single submitter. Criteria: CeGaT Center For Human Genetics Tuebingen Variant Classification Criteria Version 2. Collection method: clinical testing. Allele origin: germline. Affected: yes. Observed: 6 variant alleles.
Comment: ASXL1: BP4, BP7

GeneDx
Classification: Likely benign. Last evaluated: 2019-06-06. Review status: criteria provided, single submitter. Criteria: GeneDx Variant Classification Process June 2021. Collection method: clinical testing. Allele origin: germline. Affected: yes.

Breakthrough Genomics
Classification: Likely benign. Review status: criteria provided, single submitter. Criteria: ACMG Guidelines, 2015. Collection method: not provided. Allele origin: germline. Inheritance: Autosomal dominant inheritance. Affected: yes.

NM_015338.6(ASXL1):c.2820G>A (p.Leu940=)

Gene: ASXL1 (ASXL transcriptional regulator 1; plus strand). Cytogenetic location: 20q11.21.
Variant type: single nucleotide variant.
Coding change: c.2820G>A on transcript NM_015338.6 (MANE Select); coding-DNA position 2820, G replaced by A.
Protein change: p.Leu940=; no amino-acid change (leucine 940 retained).
Molecular consequence: synonymous variant.
Genome position (GRCh38, 1-based): chr20:32,435,532, G>A. VCF-style: chr20-32435532-G-A. GRCh37 (hg19) VCF-style: chr20-31023335-G-A.
Other names: c.2637G>A, p.Leu879= (NM_001363734.1).
Identifiers: ClinVar variation 762745 (VCV000762745.48), dbSNP rs201554973, ClinGen allele CA9808704.
Genomic context (GRCh38, chr20:32,435,532, plus strand): 5'-ATCTGTTGAGCCCCAGGTTGGAGAGGAGTGGGAGAAAGCTGCTCCCACCCCTCCTGCATT[G>A]CCTGGGGATTTGACAGCTGAGGAGGGTCTAGATCCTCTTGACAGCCTTACTTCACTCTGG-3'
Protein context (NP_056153.2, residues 930-950): WEKAAPTPPA[Leu940=]PGDLTAEEGL